The following is an entry in ClinVar:

ClinVar aggregate classification (germline): Pathogenic (1 of 4 stars; one submission).

Conditions:
Multiple congenital exostosis (EXT). Also called: Hereditary multiple exostoses; Hereditary multiple exostosis; Multiple osteochondromas; MULTIPLE CARTILAGINOUS EXOSTOSES; Hereditary multiple osteochondromas; Multiple exostoses. Identifiers: Orphanet 321, MedGen C0015306, MONDO:0005508, HP:0002762.

Submission:

Labcorp Genetics (formerly Invitae), Labcorp
Classification: Pathogenic for Multiple congenital exostosis. Last evaluated: 2023-06-11. Review status: criteria provided, single submitter. Criteria: Invitae Variant Classification Sherloc (09022015). Collection method: clinical testing. Allele origin: germline.
Comment: For these reasons, this variant has been classified as Pathogenic. This variant has not been reported in the literature in individuals affected with EXT1-related conditions. This variant is not present in population databases (gnomAD no frequency). This sequence change creates a premature translational stop signal (p.His172Profs*16) in the EXT1 gene. It is expected to result in an absent or disrupted protein product. Loss-of-function variants in EXT1 are known to be pathogenic (PMID: 10679937, 11391482, 19810120).

Literature cited by the submitters: PubMed 10679937; PubMed 11391482; PubMed 19810120.

NM_000127.3(EXT1):c.515_527del (p.His172fs)

Gene: EXT1 (exostosin glycosyltransferase 1; minus strand). Cytogenetic location: 8q24.11.
Variant type: Deletion.
Coding change: c.515_527del on transcript NM_000127.3 (MANE Select); coding-DNA positions 515 to 527, 13 bases deleted (ACAATTTGAGATC).
Protein change: p.His172fs; shifts the reading frame from histidine 172.
Molecular consequence: frameshift variant.
Genome position (GRCh38, 1-based): chr8:118,110,520-118,110,532, GATCTCAAATTGT deleted on the plus strand (ACAATTTGAGATC on the coding strand, the reverse complement: EXT1 is on the minus strand); deleting any 13 consecutive bases within chr8:118,110,520-118,110,533 gives the same sequence; the c. name uses the placement nearest the transcript's 3' end. VCF-style (leftmost placement, unchanged base first): chr8-118110519-GGATCTCAAATTGT-G. GRCh37 (hg19) VCF-style: chr8-119122758-GGATCTCAAATTGT-G.
Other names: short protein forms H172fs.
Identifiers: ClinVar variation 2712119 (VCV002712119.3), dbSNP rs2488051693, ClinGen allele CA2697550119.